The following is an entry in ClinVar:

ClinVar aggregate classification (germline): Uncertain significance. Review status: criteria provided, multiple submitters, no conflicts (2 of 4 stars). 2 submissions from 2 submitters: Uncertain significance (2). Last evaluated 2024-12-20.

Conditions:
Hereditary spastic paraplegia 45. Also called: SPASTIC PARAPLEGIA 45; Spastic paraplegia 45, autosomal recessive. Identifiers: Orphanet 320396, MedGen C3888209, MONDO:0013165, OMIM 613162.
Inborn genetic diseases. Identifiers: MedGen C0950123, MeSH D030342.

Allele frequency attached by ClinVar (database versions not stated): gnomAD exomes below 0.00001 and 0.00002; gnomAD 0.00001; TOPMed 0.00001.

Submissions (2):

Ambry Genetics
Classification: Uncertain significance for Inborn genetic diseases. Last evaluated: 2024-12-20. Review status: criteria provided, single submitter. Criteria: Ambry Variant Classification Scheme 2023. Collection method: clinical testing. Allele origin: germline.

Labcorp Genetics (formerly Invitae), Labcorp
Classification: Uncertain significance for Hereditary spastic paraplegia 45. Last evaluated: 2024-04-22. Review status: criteria provided, single submitter. Criteria: Invitae Variant Classification Sherloc (09022015). Collection method: clinical testing. Allele origin: germline.
Comment: This sequence change replaces valine, which is neutral and non-polar, with isoleucine, which is neutral and non-polar, at codon 326 of the NT5C2 protein (p.Val326Ile). This variant is present in population databases (no rsID available, gnomAD 0.003%). This variant has not been reported in the literature in individuals affected with NT5C2-related conditions. ClinVar contains an entry for this variant (Variation ID: 1445293). An algorithm developed to predict the effect of missense changes on protein structure and function (PolyPhen-2) suggests that this variant¬†is likely to be tolerated. In summary, the available evidence is currently insufficient to determine the role of this variant in disease. Therefore, it has been classified as a Variant of Uncertain Significance.

NM_001351169.2(NT5C2):c.976G>A (p.Val326Ile)

Gene: NT5C2 (5'-nucleotidase, cytosolic II; minus strand). Cytogenetic location: 10q24.32.
Variant type: single nucleotide variant.
Coding change: c.976G>A on transcript NM_001351169.2 (MANE Select); coding-DNA position 976, G replaced by A.
Protein change: p.Val326Ile; replaces valine 326 with isoleucine.
Molecular consequence: missense variant.
Genome position (GRCh38, 1-based): chr10:103,093,984, C>T on the plus strand (G>A on the coding strand, the complement: NT5C2 is on the minus strand). VCF-style: chr10-103093984-C-T. GRCh37 (hg19) VCF-style: chr10-104853741-C-T.
Other names: c.976G>A, p.Val326Ile (NM_001134373.3, NM_012229.5); c.1000G>A, p.Val334Ile (NM_001351170.2, NM_001351171.2, NM_001351172.2 and 1 more transcripts); c.889G>A, p.Val297Ile (NM_001351174.1); c.883G>A, p.Val295Ile (NM_001351175.2); c.403G>A, p.Val135Ile (NM_001351176.2, NM_001351177.2, NM_001351178.2 and 16 more transcripts); c.262G>A, p.Val88Ile (NM_001351194.2, NM_001351195.2, NM_001351196.2); c.976G>A (NM_012229.4); short protein forms V297I, V135I, V295I, V334I, V326I, V88I.
Identifiers: ClinVar variation 1445293 (VCV001445293.9), dbSNP rs913937142, ClinGen allele CA212324421.